The following is an entry in ClinVar:

ClinVar aggregate classification (germline): Uncertain significance. Review status: criteria provided, multiple submitters, no conflicts (2 of 4 stars). 2 submissions from 2 submitters: Uncertain significance (2). Last evaluated 2023-03-21.

Conditions:
Hereditary cancer-predisposing syndrome. Also called: Hereditary neoplastic syndrome; Tumor predisposition; Hereditary Cancer Syndrome; Neoplastic Syndromes, Hereditary. Identifiers: Orphanet 140162, MedGen C0027672, MeSH D009386, MONDO:0015356.
Retinoblastoma (RB1). Also called: RETINOBLASTOMA, SOMATIC. Identifiers: Orphanet 790, MedGen C0035335, MeSH D012175, MONDO:0008380, OMIM 180200, HP:0009919. Disease mechanism: loss of function. Inheritance: Both sporadic and heritable forms are tested..

Allele frequency attached by ClinVar (database versions not stated): gnomAD exomes below 0.00001.
gnomAD v4.1: 1 of 1,607,508 alleles (0.000062%); highest among the groups gnomAD compares: Admixed American, 0.0017%; no homozygotes.

Submissions (2):

Ambry Genetics
Classification: Uncertain significance for Hereditary cancer-predisposing syndrome. Last evaluated: 2023-03-21. Review status: criteria provided, single submitter. Criteria: Ambry Variant Classification Scheme 2023. Collection method: clinical testing. Allele origin: germline.
Comment: The p.A902T variant (also known as c.2704G>A), located in coding exon 26 of the RB1 gene, results from a G to A substitution at nucleotide position 2704. The alanine at codon 902 is replaced by threonine, an amino acid with similar properties. This amino acid position is highly conserved in available vertebrate species. In addition, the in silico prediction for this alteration is inconclusive. Since supporting evidence is limited at this time, the clinical significance of this alteration remains unclear.

Labcorp Genetics (formerly Invitae), Labcorp
Classification: Uncertain significance for Retinoblastoma. Last evaluated: 2022-08-08. Review status: criteria provided, single submitter. Criteria: Invitae Variant Classification Sherloc (09022015). Collection method: clinical testing. Allele origin: germline.
Comment: This sequence change replaces alanine, which is neutral and non-polar, with threonine, which is neutral and polar, at codon 902 of the RB1 protein (p.Ala902Thr). Algorithms developed to predict the effect of missense changes on protein structure and function are either unavailable or do not agree on the potential impact of this missense change (SIFT: "Tolerated"; PolyPhen-2: "Probably Damaging"; Align-GVGD: "Class C0"). This variant has not been reported in the literature in individuals affected with RB1-related conditions. This variant is not present in population databases (gnomAD no frequency). In summary, the available evidence is currently insufficient to determine the role of this variant in disease. Therefore, it has been classified as a Variant of Uncertain Significance.

NM_000321.3(RB1):c.2704G>A (p.Ala902Thr)

Gene: RB1 (RB transcriptional corepressor 1; plus strand). Cytogenetic location: 13q14.2.
Variant type: single nucleotide variant.
Coding change: c.2704G>A on transcript NM_000321.3 (MANE Select); coding-DNA position 2704, G replaced by A.
Protein change: p.Ala902Thr; replaces alanine 902 with threonine.
Molecular consequence: missense variant.
Genome position (GRCh38, 1-based): chr13:48,477,395, G>A. VCF-style: chr13-48477395-G-A. GRCh37 (hg19) VCF-style: chr13-49051531-G-A.
Other names: c.2704G>A, p.Ala902Thr (NM_001407165.1); c.154G>A, p.Ala52Thr (NM_001407168.1); short protein forms A52T, A902T.
Identifiers: ClinVar variation 1953924 (VCV001953924.7), dbSNP rs2138360977, ClinGen allele CA388157904.